The following is an entry in ClinVar:

NM_177438.3(DICER1):c.574-5G>A

Gene: DICER1 (dicer 1, ribonuclease III; minus strand). Cytogenetic location: 14q32.13.
Variant type: single nucleotide variant.
Coding change: c.574-5G>A on transcript NM_177438.3 (MANE Select); 5 bases into the intron before coding-DNA position 574, G replaced by A.
Molecular consequence: intron variant.
Genome position (GRCh38, 1-based): chr14:95,129,637, C>T on the plus strand (G>A on the coding strand, the complement: DICER1 is on the minus strand). VCF-style: chr14-95129637-C-T. GRCh37 (hg19) VCF-style: chr14-95595974-C-T.
Other names: c.574-5G>A (NM_001291628.2, NM_030621.4, NM_001271282.3 and 1 more transcripts).
Identifiers: ClinVar variation 477271 (VCV000477271.17), dbSNP rs368253792, ClinGen allele CA7331617.
Genomic context (GRCh38, chr14:95,129,637, plus strand): 5'-AAAATGGAAGCAGTTAGTCCCAAAATGCGAGGACATGATGGACAATTTTCACAGAGCTAA[C>T]ATAATAAAAGATACTGACAGTAAAGACTTCATTTTGCAAGGCTATAACAAGAGAGACATC-3'

ClinVar aggregate classification (germline): Likely benign. Review status: criteria provided, multiple submitters, no conflicts (2 of 4 stars). 4 submissions from 4 submitters: Likely benign (4). Last evaluated 2026-04-10.

Conditions:
DICER1-related tumor predisposition. Also called: DICER1-related pleuropulmonary blastoma cancer predisposition syndrome; DICER1 syndrome. Identifiers: Orphanet 284343, MedGen C3839822, MONDO:0100216.
Hereditary cancer-predisposing syndrome. Also called: Hereditary neoplastic syndrome; Neoplastic Syndromes, Hereditary; Hereditary Cancer Syndrome; Tumor predisposition. Identifiers: Orphanet 140162, MedGen C0027672, MeSH D009386, MONDO:0015356.

Allele frequency attached by ClinVar (database versions not stated): gnomAD exomes 0.00002 and 0.00004; TOPMed 0.00003; gnomAD 0.00004 and 0.00003; ExAC 0.00006; ESP Exome Variant Server 0.00008.
gnomAD v4.1: 31 of 1,609,616 alleles (0.0019%); highest among the groups gnomAD compares: Non-Finnish European, 0.0026%; no homozygotes.

Submissions (4):

Myriad Genetics, Inc.
Classification: Likely benign for DICER1-related tumor predisposition. Last evaluated: 2026-04-10. Review status: criteria provided, single submitter. Criteria: Myriad Autosomal Dominant, Autosomal Recessive and X-Linked Classification Criteria (2023). Collection method: clinical testing. Allele origin: unknown.
Comment: This variant is considered likely benign. This variant is intronic and is not expected to impact mRNA splicing.

Labcorp Genetics (formerly Invitae), Labcorp
Classification: Likely benign for DICER1-related tumor predisposition. Last evaluated: 2025-12-30. Review status: criteria provided, single submitter. Criteria: Invitae Variant Classification Sherloc (09022015). Collection method: clinical testing. Allele origin: germline.

Ambry Genetics
Classification: Likely benign for Hereditary cancer-predisposing syndrome. Last evaluated: 2021-12-02. Review status: criteria provided, single submitter. Criteria: Ambry Variant Classification Scheme 2023. Collection method: clinical testing. Allele origin: germline.

Sema4
Classification: Likely benign for Hereditary cancer-predisposing syndrome. Last evaluated: 2020-05-22. Review status: criteria provided, single submitter. Criteria: Sema4 Curation Guidelines. Collection method: curation. Allele origin: germline.

Literature cited by the submitters: PubMed 29399970 (cited by Ambry Genetics).